The following is an entry in ClinVar:

ClinVar aggregate classification (germline): Uncertain significance. Review status: criteria provided, multiple submitters, no conflicts (2 of 4 stars). 2 submissions from 2 submitters: Uncertain significance (2). Last evaluated 2025-02-19.

Conditions:
Familial adenomatous polyposis 1 (FAP1). Also called: FAMILIAL ADENOMATOUS POLYPOSIS 1, ATTENUATED; POLYPOSIS, ADENOMATOUS INTESTINAL. Identifiers: MedGen C2713442, MONDO:0021056, OMIM 175100. Disease mechanism: loss of function.
Hereditary cancer-predisposing syndrome. Also called: Hereditary Cancer Syndrome; Hereditary neoplastic syndrome; Tumor predisposition; Neoplastic Syndromes, Hereditary. Identifiers: Orphanet 140162, MedGen C0027672, MeSH D009386, MONDO:0015356.

gnomAD v4.1: 1 of 1,613,980 alleles (0.000062%); highest among the groups gnomAD compares: Middle Eastern, 0.016%; no homozygotes.

Submissions (2):

Ambry Genetics
Classification: Uncertain significance for Hereditary cancer-predisposing syndrome. Last evaluated: 2025-02-19. Review status: criteria provided, single submitter. Criteria: Ambry Variant Classification Scheme 2023. Collection method: clinical testing. Allele origin: germline.
Comment: The p.N1903K variant (also known as c.5709C>G), located in coding exon 15 of the APC gene, results from a C to G substitution at nucleotide position 5709. The asparagine at codon 1903 is replaced by lysine, an amino acid with similar properties. This amino acid position is conserved. In addition, in silico predictors for this gene do not accurately predict pathogenicity. Based on the available evidence, the clinical significance of this variant remains unclear.

Labcorp Genetics (formerly Invitae), Labcorp
Classification: Uncertain significance for Familial adenomatous polyposis 1. Last evaluated: 2024-02-28. Review status: criteria provided, single submitter. Criteria: Invitae Variant Classification Sherloc (09022015). Collection method: clinical testing. Allele origin: germline.
Comment: This sequence change replaces asparagine, which is neutral and polar, with lysine, which is basic and polar, at codon 1903 of the APC protein (p.Asn1903Lys). This variant is not present in population databases (gnomAD no frequency). This variant has not been reported in the literature in individuals affected with APC-related conditions. ClinVar contains an entry for this variant (Variation ID: 841442). Advanced modeling of protein sequence and biophysical properties (such as structural, functional, and spatial information, amino acid conservation, physicochemical variation, residue mobility, and thermodynamic stability) performed at Invitae indicates that this missense variant is not expected to disrupt APC protein function with a negative predictive value of 95%. In summary, the available evidence is currently insufficient to determine the role of this variant in disease. Therefore, it has been classified as a Variant of Uncertain Significance.

NM_000038.6(APC):c.5709C>G (p.Asn1903Lys)

Gene: APC (APC regulator of Wnt signaling pathway; plus strand). Cytogenetic location: 5q22.2.
Variant type: single nucleotide variant.
Coding change: c.5709C>G on transcript NM_000038.6 (MANE Select); coding-DNA position 5709, C replaced by G.
Protein change: p.Asn1903Lys; replaces asparagine 1903 with lysine.
Molecular consequence: missense variant.
Genome position (GRCh38, 1-based): chr5:112,841,303, C>G. VCF-style: chr5-112841303-C-G. GRCh37 (hg19) VCF-style: chr5-112177000-C-G.
Other names: c.5709C>G, p.Asn1903Lys (NM_001127510.3, NM_001354895.2); c.5655C>G, p.Asn1885Lys (NM_001127511.3); c.5763C>G, p.Asn1921Lys (NM_001354896.2); c.5739C>G, p.Asn1913Lys (NM_001354897.2); c.5634C>G, p.Asn1878Lys (NM_001354898.2); c.5625C>G, p.Asn1875Lys (NM_001354899.2); c.5586C>G, p.Asn1862Lys (NM_001354900.2); c.5532C>G, p.Asn1844Lys (NM_001354901.2); and 5 more; short protein forms N1878K, N1885K, N1620K, N1802K, N1862K, N1875K, N1903K, N1743K.
Identifiers: ClinVar variation 841442 (VCV000841442.12), dbSNP rs1371378897, ClinGen allele CA16033828.